The following is an entry in ClinVar:

NM_001035.3(RYR2):c.12408C>T (p.Ile4136=)

Genes: RYR2 (ryanodine receptor 2; plus strand), LOC126806068 (BRD4-independent group 4 enhancer GRCh37_chr1:237947411-237948610; plus strand). Cytogenetic location: 1q43.
Variant type: single nucleotide variant.
Coding change: c.12408C>T on transcript NM_001035.3 (MANE Select); coding-DNA position 12408, C replaced by T.
Protein change: p.Ile4136=; no amino-acid change (isoleucine 4136 retained).
Molecular consequence: synonymous variant.
Genome position (GRCh38, 1-based): chr1:237,784,120, C>T. VCF-style: chr1-237784120-C-T. GRCh37 (hg19) VCF-style: chr1-237947420-C-T.
Identifiers: ClinVar variation 1105564 (VCV001105564.13), dbSNP rs1294331175, ClinGen allele CA424032149.

ClinVar aggregate classification (germline): Likely benign. Review status: criteria provided, multiple submitters, no conflicts (2 of 4 stars). 4 submissions from 4 submitters: Likely benign (4). Last evaluated 2023-02-24.

Conditions:
Cardiomyopathy (CMYO). Also called: Cardiomyopathies. Identifiers: Orphanet 167848, MedGen C0878544, MONDO:0004994, HP:0001638. Inheritance: Various modes of inheritance.
Catecholaminergic polymorphic ventricular tachycardia (CVPT). Also called: Catecholamine-induced polymorphic ventricular tachycardia. Identifiers: Orphanet 3286, MedGen C5574922, MONDO:0017990.
Catecholaminergic polymorphic ventricular tachycardia 1. Also called: VENTRICULAR TACHYCARDIA, STRESS-INDUCED POLYMORPHIC 1; VENTRICULAR TACHYCARDIA, CATECHOLAMINERGIC POLYMORPHIC, 1, WITH OR WITHOUT ATRIAL DYSFUNCTION AND/OR DILATED CARDIOMYOPATHY; RYR2-Related Catecholaminergic Polymorphic Ventricular Tachycardia. Identifiers: Orphanet 3286, MedGen C1631597, MONDO:0011484, OMIM 604772.

gnomAD v4.1: 7 of 1,613,962 alleles (0.00043%); highest among the groups gnomAD compares: Non-Finnish European, 0.00059%; no homozygotes.

Submissions (4):

All of Us Research Program, National Institutes of Health
Classification: Likely benign for Catecholaminergic polymorphic ventricular tachycardia. Last evaluated: 2023-02-24. Review status: criteria provided, single submitter. Criteria: ACMG Guidelines, 2015. Collection method: clinical testing. Allele origin: germline. Inheritance: Autosomal dominant inheritance. Observed: 1 variant allele, 1 heterozygote.
Comment: This study involves interpretation of variants in research participants for the purpose of population health screening. Participant phenotype was not available at the time of variant classification. Additional details can be found in publication PMID: 35346344, PMCID: PMC8962531

Color Diagnostics, LLC DBA Color Health
Classification: Likely benign for Cardiomyopathy. Last evaluated: 2022-11-06. Review status: criteria provided, single submitter. Criteria: ACMG Guidelines, 2015. Collection method: clinical testing. Allele origin: germline.

Labcorp Genetics (formerly Invitae), Labcorp
Classification: Likely benign for Catecholaminergic polymorphic ventricular tachycardia 1. Last evaluated: 2022-07-11. Review status: criteria provided, single submitter. Criteria: Invitae Variant Classification Sherloc (09022015). Collection method: clinical testing. Allele origin: germline.

Blueprint Genetics
Classification: Likely benign. Last evaluated: 2020-02-27. Review status: criteria provided, single submitter. Criteria: ACMG Guidelines, 2015. Collection method: clinical testing. Allele origin: germline.